The following is an entry in ClinVar:

ClinVar aggregate classification (germline): Uncertain significance (1 of 4 stars; one submission).

Conditions:
Progressive microcephaly-seizures-cortical blindness-developmental delay syndrome. Also called: Seizures, cortical blindness, and microcephaly syndrome. Identifiers: Orphanet 477814, MedGen C5567650, MONDO:0014714, OMIM 616632.
Autosomal dominant nonsyndromic hearing loss 1. Also called: KONIGSMARK SYNDROME; DEAFNESS, AUTOSOMAL DOMINANT 1, WITH OR WITHOUT THROMBOCYTOPENIA. Identifiers: Orphanet 90635, MedGen C1852282, MONDO:0007424, OMIM 124900.

Allele frequency attached by ClinVar (database versions not stated): gnomAD 0.00001.
gnomAD v4.1: 4 of 1,546,130 alleles (0.00026%); highest among the groups gnomAD compares: South Asian, 0.0024%; no homozygotes.

Submission:

Labcorp Genetics (formerly Invitae), Labcorp
Classification: Uncertain significance for Progressive microcephaly-seizures-cortical blindness-developmental delay syndrome; Autosomal dominant nonsyndromic hearing loss 1. Last evaluated: 2022-08-23. Review status: criteria provided, single submitter. Criteria: Invitae Variant Classification Sherloc (09022015). Collection method: clinical testing. Allele origin: germline.
Comment: In summary, the available evidence is currently insufficient to determine the role of this variant in disease. Therefore, it has been classified as a Variant of Uncertain Significance. Algorithms developed to predict the effect of missense changes on protein structure and function are either unavailable or do not agree on the potential impact of this missense change (SIFT: "Deleterious"; PolyPhen-2: "Not Available"; Align-GVGD: "Class C0"). This variant has not been reported in the literature in individuals affected with DIAPH1-related conditions. This variant is not present in population databases (gnomAD no frequency). This sequence change replaces glycine, which is neutral and non-polar, with serine, which is neutral and polar, at codon 34 of the DIAPH1 protein (p.Gly34Ser).

NM_005219.5(DIAPH1):c.100G>A (p.Gly34Ser)

Gene: DIAPH1 (diaphanous related formin 1; minus strand). Cytogenetic location: 5q31.3.
Variant type: single nucleotide variant.
Coding change: c.100G>A on transcript NM_005219.5 (MANE Select); coding-DNA position 100, G replaced by A.
Protein change: p.Gly34Ser; replaces glycine 34 with serine.
Molecular consequence: missense variant.
Genome position (GRCh38, 1-based): chr5:141,618,815, C>T on the plus strand (G>A on the coding strand, the complement: DIAPH1 is on the minus strand). VCF-style: chr5-141618815-C-T. GRCh37 (hg19) VCF-style: chr5-140998382-C-T.
Other names: c.100G>A, p.Gly34Ser (NM_001079812.3, NM_001314007.2); short protein forms G34S.
Identifiers: ClinVar variation 1988181 (VCV001988181.4), dbSNP rs1297873125, ClinGen allele CA361508372.
Genomic context (GRCh38, chr5:141,618,815, plus strand): 5'-CGGTTACGGGGCCAGGCAGGAGCGGGATGGGAGGGACACTCACAAATTTCTTAGATTTGC[C>T]GCCGTCGCCGCCCGCCGAGGGCAGCTCATCTGGGCTCCGGCCCTTCTTCTTGTCCCGGGT-3'
Protein context (NP_005210.3, residues 24-44): DELPSAGGDG[Gly34Ser]KSKKFTLKRL